The following is an entry in ClinVar:

ClinVar aggregate classification (germline): Conflicting classifications of pathogenicity. Review status: criteria provided, conflicting classifications (1 of 4 stars). 2 submissions from 2 submitters: Uncertain significance (1); Likely benign (1). Last evaluated 2026-04-01.

Allele frequency attached by ClinVar (database versions not stated): gnomAD 0.00006; gnomAD exomes 0.00009; TOPMed 0.00014; ExAC 0.00020.
gnomAD v4.1: 103 of 1,209,381 alleles (0.0085%); highest among the groups gnomAD compares: Admixed American, 0.067%; no homozygotes.

Submissions (3):

CeGaT Center for Human Genetics Tuebingen
Classification: Likely benign. Last evaluated: 2026-04-01. Review status: criteria provided, single submitter. Criteria: CeGaT Center For Human Genetics Tuebingen Variant Classification Criteria Version 2. Collection method: clinical testing. Allele origin: germline. Affected: yes. Observed: 1 variant allele.
Comment: SRPK3: BS2

Ambry Genetics
Classification: Uncertain significance. Last evaluated: 2024-03-08. Review status: criteria provided, single submitter. Criteria: Ambry Variant Classification Scheme 2023. Collection method: clinical testing. Allele origin: germline.

Dr. Peter K. Rogan Lab, Western University
No classification provided (evidence only). Condition: Nonpapillary renal cell carcinoma. Review status: no classification provided. Collection method: in vitro. Allele origin: not applicable. Functional consequence: retained intron. Not counted in ClinVar's aggregate classification.

NM_014370.4(SRPK3):c.392G>A (p.Arg131Gln)

Gene: SRPK3 (SRSF protein kinase 3; plus strand). Cytogenetic location: Xq28.
Variant type: single nucleotide variant.
Coding change: c.392G>A on transcript NM_014370.4 (MANE Select); coding-DNA position 392, G replaced by A.
Protein change: p.Arg131Gln; replaces arginine 131 with glutamine.
Molecular consequence: missense variant.
Genome position (GRCh38, 1-based): chrX:153,782,125, G>A. VCF-style: chrX-153782125-G-A. GRCh37 (hg19) VCF-style: chrX-153047580-G-A.
Other names: NC_000023.10:g.153047580G>A; c.392G>A, p.Arg131Gln (NM_001170760.2, NM_001170761.2); short protein forms R131Q.
Identifiers: ClinVar variation 3170050 (VCV003170050.4), dbSNP rs781831647, ClinGen allele CA10552217.
Genomic context (GRCh38, chrX:153,782,125, plus strand): 5'-GCTGTGGGCTTCAGGGCAGGGTGGAACCATCTGTGGCCCCTTGGCTTTTGCTCCAGGTCC[G>A]GGACAGCGACCCCAGTGACCCCAAAAGAGAGACCATTGTCCAGCTCATTGATGACTTCAG-3'
Protein context (NP_055185.2, residues 121-141): VDEIKLLKCV[Arg131Gln]DSDPSDPKRE